The following is an entry in ClinVar:

NM_022436.3(ABCG5):c.242T>C (p.Ile81Thr)

Gene: ABCG5 (ATP binding cassette subfamily G member 5; minus strand). Cytogenetic location: 2p21.
Variant type: single nucleotide variant.
Coding change: c.242T>C on transcript NM_022436.3 (MANE Select); coding-DNA position 242, T replaced by C.
Protein change: p.Ile81Thr; replaces isoleucine 81 with threonine.
Molecular consequence: missense variant.
Genome position (GRCh38, 1-based): chr2:43,837,857, A>G on the plus strand (T>C on the coding strand, the complement: ABCG5 is on the minus strand). VCF-style: chr2-43837857-A-G. GRCh37 (hg19) VCF-style: chr2-44064996-A-G.
Other names: short protein forms I81T.
Identifiers: ClinVar variation 1791155 (VCV001791155.5), dbSNP rs1441999437, ClinGen allele CA346661433.

ClinVar aggregate classification (germline): Uncertain significance. Review status: criteria provided, multiple submitters, no conflicts (2 of 4 stars). 2 submissions from 2 submitters: Uncertain significance (2). Last evaluated 2025-01-21.

Conditions:
Cardiovascular phenotype. Identifiers: MedGen CN230736.
Sitosterolemia (STSL). Also called: PHYTOSTEROLEMIA. Identifiers: Orphanet 2882, MedGen C0342907, MONDO:0008863.

Allele frequency attached by ClinVar (database versions not stated): gnomAD exomes below 0.00001; gnomAD 0.00001; TOPMed 0.00002.
gnomAD v4.1: 6 of 1,613,958 alleles (0.00037%); highest among the groups gnomAD compares: Middle Eastern, 0.016%; no homozygotes.

Submissions (2):

Ambry Genetics
Classification: Uncertain significance for Cardiovascular phenotype. Last evaluated: 2025-01-21. Review status: criteria provided, single submitter. Criteria: Ambry Variant Classification Scheme 2023. Collection method: clinical testing. Allele origin: germline.
Comment: The p.I81T variant (also known as c.242T>C), located in coding exon 2 of the ABCG5 gene, results from a T to C substitution at nucleotide position 242. The isoleucine at codon 81 is replaced by threonine, an amino acid with similar properties. This amino acid position is conserved. In addition, this alteration is predicted to be tolerated by in silico analysis. Since supporting evidence is limited at this time, the clinical significance of this alteration remains unclear.

Labcorp Genetics (formerly Invitae), Labcorp
Classification: Uncertain significance for Sitosterolemia. Last evaluated: 2021-12-29. Review status: criteria provided, single submitter. Criteria: Invitae Variant Classification Sherloc (09022015). Collection method: clinical testing. Allele origin: germline.
Comment: This sequence change replaces isoleucine, which is neutral and non-polar, with threonine, which is neutral and polar, at codon 81 of the ABCG5 protein (p.Ile81Thr). This variant is not present in population databases (gnomAD no frequency). This variant has not been reported in the literature in individuals affected with ABCG5-related conditions. Algorithms developed to predict the effect of missense changes on protein structure and function (SIFT, PolyPhen-2, Align-GVGD) all suggest that this variant is likely to be tolerated. In summary, the available evidence is currently insufficient to determine the role of this variant in disease. Therefore, it has been classified as a Variant of Uncertain Significance.